The following is an entry in ClinVar:

NM_002029.4(FPR1):c.595A>T (p.Thr199Ser)

Gene: FPR1 (formyl peptide receptor 1; minus strand). Cytogenetic location: 19q13.41.
Variant type: single nucleotide variant.
Coding change: c.595A>T on transcript NM_002029.4 (MANE Select); coding-DNA position 595, A replaced by T.
Protein change: p.Thr199Ser; replaces threonine 199 with serine.
Molecular consequence: missense variant.
Genome position (GRCh38, 1-based): chr19:51,746,400, T>A on the plus strand (A>T on the coding strand, the complement: FPR1 is on the minus strand). VCF-style: chr19-51746400-T-A. GRCh37 (hg19) VCF-style: chr19-52249653-T-A.
Other names: c.595A>T, p.Thr199Ser (NM_001193306.2); short protein forms T199S.
Identifiers: ClinVar variation 3714615 (VCV003714615.2).

ClinVar aggregate classification (germline): Uncertain significance (1 of 4 stars; one submission).

Conditions:
Gingival disorder. Also called: Gingival disease. Identifiers: MedGen C0017563, MONDO:0002021.

Submission:

Labcorp Genetics (formerly Invitae), Labcorp
Classification: Uncertain significance for Gingival disorder. Last evaluated: 2024-03-01. Review status: criteria provided, single submitter. Criteria: Invitae Variant Classification Sherloc (09022015). Collection method: clinical testing. Allele origin: germline.
Comment: This sequence change replaces threonine, which is neutral and polar, with serine, which is neutral and polar, at codon 199 of the FPR1 protein (p.Thr199Ser). This variant is not present in population databases (gnomAD no frequency). This variant has not been reported in the literature in individuals affected with FPR1-related conditions. An algorithm developed to predict the effect of missense changes on protein structure and function (PolyPhen-2) suggests that this variant is likely to be tolerated. In summary, the available evidence is currently insufficient to determine the role of this variant in disease. Therefore, it has been classified as a Variant of Uncertain Significance.